The following is an entry in ClinVar:

NM_020937.4(FANCM):c.3722C>T (p.Ser1241Phe)

Gene: FANCM (FA complementation group M; plus strand). Cytogenetic location: 14q21.2.
Variant type: single nucleotide variant.
Coding change: c.3722C>T on transcript NM_020937.4 (MANE Select); coding-DNA position 3722, C replaced by T.
Protein change: p.Ser1241Phe; replaces serine 1241 with phenylalanine.
Molecular consequence: missense variant.
Genome position (GRCh38, 1-based): chr14:45,176,476, C>T. VCF-style: chr14-45176476-C-T. GRCh37 (hg19) VCF-style: chr14-45645679-C-T.
Other names: c.3644C>T, p.Ser1215Phe (NM_001308133.2); short protein forms S1215F, S1241F.
Identifiers: ClinVar variation 4844548 (VCV004844548.1).

ClinVar aggregate classification (germline): Uncertain significance (1 of 4 stars; one submission).

Conditions:
Inborn genetic diseases. Identifiers: MedGen C0950123, MeSH D030342.

Submission:

Ambry Genetics
Classification: Uncertain significance for Inborn genetic diseases. Last evaluated: 2026-01-25. Review status: criteria provided, single submitter. Criteria: Ambry Variant Classification Scheme 2023. Collection method: clinical testing. Allele origin: germline.
Comment: The p.S1241F variant (also known as c.3722C>T), located in coding exon 14 of the FANCM gene, results from a C to T substitution at nucleotide position 3722. The serine at codon 1241 is replaced by phenylalanine, an amino acid with highly dissimilar properties. This amino acid position is conserved. In addition, this alteration is predicted to be tolerated by in silico analysis. Based on the available evidence, the clinical significance of this variant remains unclear.